The following is an entry in ClinVar:

NM_001267550.2(TTN):c.4708G>T (p.Gly1570Cys)

Genes: TTN (titin; minus strand), LOC101927055 (uncharacterized LOC101927055; plus strand). Cytogenetic location: 2q31.2.
Variant type: single nucleotide variant.
Coding change: c.4708G>T on transcript NM_001267550.2 (MANE Select); coding-DNA position 4708, G replaced by T.
Protein change: p.Gly1570Cys; replaces glycine 1570 with cysteine.
Molecular consequence: missense variant. On other transcripts: non-coding transcript variant (1).
Genome position (GRCh38, 1-based): chr2:178,777,255, C>A on the plus strand (G>T on the coding strand, the complement: TTN is on the minus strand). VCF-style: chr2-178777255-C-A. GRCh37 (hg19) VCF-style: chr2-179641982-C-A.
Other names: c.4708G>T, p.Gly1570Cys (NM_001256850.1, NM_133378.4, NM_133379.5); c.4570G>T, p.Gly1524Cys (NM_003319.4, NM_133432.3, NM_133437.4); short protein forms G1524C, G1570C.
Identifiers: ClinVar variation 5037908 (VCV005037908.1).
Genomic context (GRCh38, chr2:178,777,255, plus strand): 5'-ACCATACAATGTCAGGGTTGGGGTTACCCGTAGCTCTGACTTTCATTTCAAGTCGGGAAC[C>A]TTCCTTTATATTGACATTTTTCAGTTTTTCTACAAACATCGGTTTTACCTGATGTTCCAC-3'
Protein context (NP_001254479.2, residues 1560-1580): EKLKNVNIKE[Gly1570Cys]SRLEMKVRAT

ClinVar aggregate classification (germline): Likely benign (1 of 4 stars; one submission).

gnomAD v4.1: 2 of 1,614,074 alleles (0.00012%); highest among the groups gnomAD compares: African/African-American, 0.0013%; no homozygotes.

Submission:

Molecular Diagnostic Laboratory for Inherited Cardiovascular Disease, Montreal Heart Institute
Classification: Likely benign. Last evaluated: 2026-09-21. Review status: criteria provided, single submitter. Criteria: ACMG Guidelines, 2015. Collection method: clinical testing. Allele origin: germline. Affected: no.
Comment: BP1